The following is an entry in ClinVar:

NM_001270508.2(TNFAIP3):c.1499A>G (p.Asn500Ser)

Gene: TNFAIP3 (TNF alpha induced protein 3; plus strand). Cytogenetic location: 6q23.3.
Variant type: single nucleotide variant.
Coding change: c.1499A>G on transcript NM_001270508.2 (MANE Select); coding-DNA position 1499, A replaced by G.
Protein change: p.Asn500Ser; replaces asparagine 500 with serine.
Molecular consequence: missense variant.
Genome position (GRCh38, 1-based): chr6:137,878,944, A>G. VCF-style: chr6-137878944-A-G. GRCh37 (hg19) VCF-style: chr6-138200081-A-G.
Other names: c.1499A>G, p.Asn500Ser (NM_001270507.2, NM_006290.4); short protein forms N500S.
Identifiers: ClinVar variation 3032328 (VCV003032328.2), dbSNP rs764389516, ClinGen allele CA4019651.

ClinVar aggregate classification (germline): Uncertain significance (0 of 4 stars; one submission).

Conditions:
TNFAIP3-related disorder. Also called: TNFAIP3-related condition.

Allele frequency attached by ClinVar (database versions not stated): ExAC 0.00001.

Submission:

PreventionGenetics, part of Exact Sciences
Classification: Uncertain significance for TNFAIP3-related condition. Last evaluated: 2023-12-04. Review status: no assertion criteria provided. Collection method: clinical testing. Allele origin: germline.
Comment: The TNFAIP3 c.1499A>G variant is predicted to result in the amino acid substitution p.Asn500Ser. To our knowledge, this variant has not been reported in the literature. This variant is reported in 0.00088% of alleles in individuals of European (Non-Finnish) descent in gnomAD. At this time, the clinical significance of this variant is uncertain due to the absence of conclusive functional and genetic evidence.